The following is an entry in ClinVar:

ClinVar aggregate classification (germline): Pathogenic/Likely pathogenic. Review status: criteria provided, multiple submitters, no conflicts (2 of 4 stars). 2 submissions from 2 submitters: Pathogenic (1); Likely pathogenic (1). Last evaluated 2023-12-26.

Conditions:
Atelosteogenesis type II (AO2). Also called: SLC26A2-Related Atelosteogenesis; NEONATAL OSSEOUS DYSPLASIA I; Neonatal osseous dysplasia 1. Identifiers: Orphanet 56304, MedGen C1850554, MONDO:0009727, OMIM 256050.
Diastrophic dysplasia (DTD). Also called: Diastrophic dwarfism. Identifiers: Orphanet 628, MedGen C0220726, MONDO:0009107, OMIM 222600.
Multiple epiphyseal dysplasia type 4 (EDM4). Also called: Multiple Epiphyseal Dysplasia, Recessive; MULTIPLE EPIPHYSEAL DYSPLASIA WITH BILAYERED PATELLAE; MULTIPLE EPIPHYSEAL DYSPLASIA WITH CLUBFOOT; MULTIPLE EPIPHYSEAL DYSPLASIA, AUTOSOMAL RECESSIVE; SLC26A2-Related Multiple Epiphyseal Dysplasia. Identifiers: Orphanet 93307, MedGen C1847593, MONDO:0009189, OMIM 226900.
Achondrogenesis, type IB (ACG1B). Also called: Achondrogenesis Type 1B. Identifiers: Orphanet 932, Orphanet 93298, MedGen C0265274, MONDO:0010966, OMIM 600972.

Submissions (2):

Baylor Genetics
Classification: Likely pathogenic for Achondrogenesis, type IB. Last evaluated: 2023-12-26. Review status: criteria provided, single submitter. Criteria: ACMG Guidelines, 2015. Collection method: clinical testing. Allele origin: unknown.

Labcorp Genetics (formerly Invitae), Labcorp
Classification: Pathogenic for Atelosteogenesis type II; Multiple epiphyseal dysplasia type 4; Achondrogenesis, type IB; Diastrophic dysplasia. Last evaluated: 2023-09-12. Review status: criteria provided, single submitter. Criteria: Invitae Variant Classification Sherloc (09022015). Collection method: clinical testing. Allele origin: germline.
Comment: For these reasons, this variant has been classified as Pathogenic. This sequence change creates a premature translational stop signal (p.Leu599*) in the SLC26A2 gene. While this is not anticipated to result in nonsense mediated decay, it is expected to disrupt the last 141 amino acid(s) of the SLC26A2 protein. This variant is not present in population databases (gnomAD no frequency). This variant has not been reported in the literature in individuals affected with SLC26A2-related conditions. This variant disrupts a region of the SLC26A2 protein in which other variant(s) (p.Ala715Val) have been determined to be pathogenic (PMID: 11448940, 15294877, 21077204). This suggests that this is a clinically significant region of the protein, and that variants that disrupt it are likely to be disease-causing.

Literature cited by the submitters: PubMed 11448940 (cited by Labcorp Genetics (formerly Invitae), Labcorp); PubMed 15294877 (cited by Labcorp Genetics (formerly Invitae), Labcorp); PubMed 21077204 (cited by Labcorp Genetics (formerly Invitae), Labcorp).

NM_000112.4(SLC26A2):c.1796T>A (p.Leu599Ter)

Gene: SLC26A2 (solute carrier family 26 member 2; plus strand). Cytogenetic location: 5q32.
Variant type: single nucleotide variant.
Coding change: c.1796T>A on transcript NM_000112.4 (MANE Select); coding-DNA position 1796, T replaced by A.
Protein change: p.Leu599Ter; replaces leucine 599 with a stop codon.
Molecular consequence: nonsense.
Genome position (GRCh38, 1-based): chr5:149,981,389, T>A. VCF-style: chr5-149981389-T-A. GRCh37 (hg19) VCF-style: chr5-149360952-T-A.
Other names: short protein forms L599*.
Identifiers: ClinVar variation 2951898 (VCV002951898.4), dbSNP rs2480777083, ClinGen allele CA361708815.
Genomic context (GRCh38, chr5:149,981,389, plus strand): 5'-AGATTTTCCGCTTTGTAGCCCCTCTCTACTACATAAACAAAGAATGCTTTAAATCTGCTT[T>A]ATACAAACAAACTGTCAACCCAATCTTAATAAAGGTGGCTTGGAAGAAGGCAGCAAAGAG-3'